The following is an entry in ClinVar:

ClinVar aggregate classification (germline): Uncertain significance (1 of 4 stars; one submission).

Submission:

Ambry Genetics
Classification: Uncertain significance. Last evaluated: 2023-02-23. Review status: criteria provided, single submitter. Criteria: Ambry Variant Classification Scheme 2023. Collection method: clinical testing. Allele origin: germline.
Comment: The p.A398V variant (also known as c.1193C>T), located in coding exon 3 of the ALPK2 gene, results from a C to T substitution at nucleotide position 1193. The alanine at codon 398 is replaced by valine, an amino acid with similar properties. This amino acid position is conserved. In addition, this alteration is predicted to be tolerated by in silico analysis. Since supporting evidence is limited at this time, the clinical significance of this alteration remains unclear.

NM_052947.4(ALPK2):c.1193C>T (p.Ala398Val)

Genes: ALPK2 (alpha kinase 2; minus strand), LOC114803473 (ALPK2 eExon liver enhancer; plus strand). Cytogenetic location: 18q21.31.
Variant type: single nucleotide variant.
Coding change: c.1193C>T on transcript NM_052947.4 (MANE Select); coding-DNA position 1193, C replaced by T.
Protein change: p.Ala398Val; replaces alanine 398 with valine.
Molecular consequence: missense variant.
Genome position (GRCh38, 1-based): chr18:58,579,583, G>A on the plus strand (C>T on the coding strand, the complement: ALPK2 is on the minus strand). VCF-style: chr18-58579583-G-A. GRCh37 (hg19) VCF-style: chr18-56246815-G-A.
Other names: short protein forms A398V.
Identifiers: ClinVar variation 3228561 (VCV003228561.1), dbSNP rs1243131711, ClinGen allele CA402564215.